The following is an entry in ClinVar:

ClinVar aggregate classification (germline): Uncertain significance (1 of 4 stars; one submission).

Conditions:
Inborn genetic diseases. Identifiers: MedGen C0950123, MeSH D030342.

Submission:

Ambry Genetics
Classification: Uncertain significance for Inborn genetic diseases. Last evaluated: 2025-08-19. Review status: criteria provided, single submitter. Criteria: Ambry Variant Classification Scheme 2023. Collection method: clinical testing. Allele origin: germline.
Comment: The p.I513V variant (also known as c.1537A>G), located in coding exon 14 of the DDX41 gene, results from an A to G substitution at nucleotide position 1537. The isoleucine at codon 513 is replaced by valine, an amino acid with highly similar properties. This amino acid position is conserved. In addition, the in silico prediction for this alteration is inconclusive. Based on the available evidence, the clinical significance of this variant remains unclear.

NM_016222.4(DDX41):c.1537A>G (p.Ile513Val)

Gene: DDX41 (DEAD-box helicase 41; minus strand). Cytogenetic location: 5q35.3.
Variant type: single nucleotide variant.
Coding change: c.1537A>G on transcript NM_016222.4 (MANE Select); coding-DNA position 1537, A replaced by G.
Protein change: p.Ile513Val; replaces isoleucine 513 with valine.
Molecular consequence: missense variant.
Genome position (GRCh38, 1-based): chr5:177,512,508, T>C on the plus strand (A>G on the coding strand, the complement: DDX41 is on the minus strand). VCF-style: chr5-177512508-T-C. GRCh37 (hg19) VCF-style: chr5-176939509-T-C.
Other names: c.1159A>G, p.Ile387Val (NM_001321732.2, NM_001321830.2); short protein forms I513V, I387V.
Identifiers: ClinVar variation 4238803 (VCV004238803.1).